The following is an entry in ClinVar:

ClinVar aggregate classification (germline): Uncertain significance (1 of 4 stars; one submission).

Conditions:
Hereditary cancer-predisposing syndrome. Also called: Neoplastic Syndromes, Hereditary; Tumor predisposition; Hereditary Cancer Syndrome; Hereditary neoplastic syndrome. Identifiers: Orphanet 140162, MedGen C0027672, MeSH D009386, MONDO:0015356.

Submission:

Ambry Genetics
Classification: Uncertain significance for Hereditary cancer-predisposing syndrome. Last evaluated: 2025-07-31. Review status: criteria provided, single submitter. Criteria: Ambry Variant Classification Scheme 2023. Collection method: clinical testing. Allele origin: germline.
Comment: The p.R7K variant (also known as c.20G>A), located in coding exon 1 of the XRCC2 gene, results from a G to A substitution at nucleotide position 20. The arginine at codon 7 is replaced by lysine, an amino acid with highly similar properties. This amino acid position is conserved. In addition, this alteration is predicted to be tolerated by in silico analysis. Based on the available evidence, the clinical significance of this variant remains unclear.

NM_005431.2(XRCC2):c.20G>A (p.Arg7Lys)

Gene: XRCC2 (X-ray repair cross complementing 2; minus strand). Cytogenetic location: 7q36.1.
Variant type: single nucleotide variant.
Coding change: c.20G>A on transcript NM_005431.2 (MANE Select); coding-DNA position 20, G replaced by A.
Protein change: p.Arg7Lys; replaces arginine 7 with lysine.
Molecular consequence: missense variant.
Genome position (GRCh38, 1-based): chr7:152,676,060, C>T on the plus strand (G>A on the coding strand, the complement: XRCC2 is on the minus strand). VCF-style: chr7-152676060-C-T. GRCh37 (hg19) VCF-style: chr7-152373145-C-T.
Other names: short protein forms R7K.
Identifiers: ClinVar variation 4202866 (VCV004202866.1).